The following is an entry in ClinVar:

NM_001165963.4(SCN1A):c.4963G>A (p.Gly1655Arg)

Genes: SCN1A (sodium voltage-gated channel alpha subunit 1; minus strand), LOC102724058 (uncharacterized LOC102724058; plus strand). Cytogenetic location: 2q24.3.
Variant type: single nucleotide variant.
Coding change: c.4963G>A on transcript NM_001165963.4 (MANE Select); coding-DNA position 4963, G replaced by A.
Protein change: p.Gly1655Arg; replaces glycine 1655 with arginine.
Molecular consequence: missense variant. On other transcripts: non-coding transcript variant (1).
Genome position (GRCh38, 1-based): chr2:165,992,312, C>T on the plus strand (G>A on the coding strand, the complement: SCN1A is on the minus strand). VCF-style: chr2-165992312-C-T. GRCh37 (hg19) VCF-style: chr2-166848822-C-T.
Other names: c.4879G>A, p.Gly1627Arg (NM_001165964.3, NM_001353957.2, NM_001353958.2); c.4963G>A, p.Gly1655Arg (NM_001202435.3, NM_001353948.2); c.4930G>A, p.Gly1644Arg (NM_001353949.2, NM_001353950.2, NM_001353951.2 and 2 more transcripts); c.4927G>A, p.Gly1643Arg (NM_001353954.2, NM_001353955.2); c.4876G>A, p.Gly1626Arg (NM_001353960.2); c.2521G>A, p.Gly841Arg (NM_001353961.2); short protein forms G1627R, G1644R, G1655R, G1626R, G1643R, G841R.
Identifiers: ClinVar variation 945334 (VCV000945334.10), dbSNP rs1689350809, ClinGen allele CA349069979.
Genomic context (GRCh38, chr2:165,992,312, plus strand): 5'-GGCCGATGTTAAACAACGCAGGAAGGGACATCATCAAAGCAAAGAGCAGCGTGCGGATCC[C>T]CTTTGCTCCTTTGATCAGACGTAGGATTCGGCCAATCCTAGCAAGACGGATCACTCGGAA-3'
Protein context (NP_001159435.1, residues 1645-1665): RILRLIKGAK[Gly1655Arg]IRTLLFALMM

ClinVar aggregate classification (germline): Likely pathogenic (1 of 4 stars; one submission).

Conditions:
Early-infantile DEE. Also called: Early infantile epileptic encephalopathy; Ohtahara syndrome; Early infantile epileptic encephalopathy with suppression bursts. Identifiers: Orphanet 1934, MedGen C0393706, MONDO:0800491.

Submission:

Labcorp Genetics (formerly Invitae), Labcorp
Classification: Likely pathogenic for Early-infantile DEE. Last evaluated: 2022-11-15. Review status: criteria provided, single submitter. Criteria: Invitae Variant Classification Sherloc (09022015). Collection method: clinical testing. Allele origin: germline.
Comment: This sequence change replaces glycine, which is neutral and non-polar, with arginine, which is basic and polar, at codon 1655 of the SCN1A protein (p.Gly1655Arg). In summary, the currently available evidence indicates that the variant is pathogenic, but additional data are needed to prove that conclusively. Therefore, this variant has been classified as Likely Pathogenic. This variant disrupts the p.Gly1655 amino acid residue in SCN1A. Other variant(s) that disrupt this residue have been determined to be pathogenic (Invitae). This suggests that this residue is clinically significant, and that variants that disrupt this residue are likely to be disease-causing. Advanced modeling of protein sequence and biophysical properties (such as structural, functional, and spatial information, amino acid conservation, physicochemical variation, residue mobility, and thermodynamic stability) performed at Invitae indicates that this missense variant is expected to disrupt SCN1A protein function. ClinVar contains an entry for this variant (Variation ID: 945334). This variant has not been reported in the literature in individuals affected with SCN1A-related conditions. This variant is not present in population databases (gnomAD no frequency).